The following is an entry in ClinVar:

ClinVar aggregate classification (germline): Pathogenic (1 of 4 stars; one submission).

Conditions:
Hereditary spastic paraplegia 4. Also called: Familial spastic paraplegia autosomal dominant 2; Spastic paraplegia 4, autosomal dominant; Spastic Paraplegia 4. Identifiers: Orphanet 100985, MedGen C1866855, MONDO:0008438, OMIM 182601.

Submission:

Labcorp Genetics (formerly Invitae), Labcorp
Classification: Pathogenic for Hereditary spastic paraplegia 4. Last evaluated: 2018-06-15. Review status: criteria provided, single submitter. Criteria: Invitae Variant Classification Sherloc (09022015). Collection method: clinical testing. Allele origin: germline.
Comment: For these reasons, this variant has been classified as Pathogenic. Donor and acceptor splice site variants typically lead to a loss of protein function (PMID: 16199547), and loss-of-function variants in SPAST are known to be pathogenic (PMID: 20932283). Different variants affecting this nucleotide (c.1494-2delA and c.1494-2A>C) has been determined to be pathogenic (PMID: 11985387, 11309678). This suggests that this nucleotide is important for normal RNA splicing, and that other variants at this position may also be pathogenic. Algorithms developed to predict the effect of sequence changes on RNA splicing suggest that this variant may disrupt the consensus splice site, but this prediction has not been confirmed by published transcriptional studies. This variant has been observed in individuals affected with autosomal dominant hereditary spastic paraplegia (PMID: 20932283). This variant is not present in population databases (ExAC no frequency). This sequence change affects an acceptor splice site in intron 12 of the SPAST gene. It is expected to disrupt RNA splicing and likely results in an absent or disrupted protein product.

Literature cited by the submitters: PubMed 16199547; PubMed 20932283; PubMed 11985387; PubMed 11309678.

NM_014946.4(SPAST):c.1494-2A>G

Gene: SPAST (spastin; plus strand). Cytogenetic location: 2p22.3.
Variant type: single nucleotide variant.
Coding change: c.1494-2A>G on transcript NM_014946.4 (MANE Select); the canonical splice acceptor site of the intron before coding-DNA position 1494, A replaced by G.
Molecular consequence: splice acceptor variant.
Genome position (GRCh38, 1-based): chr2:32,141,902, A>G. VCF-style: chr2-32141902-A-G. GRCh37 (hg19) VCF-style: chr2-32366971-A-G.
Other names: c.1398-2A>G (NM_199436.2, NM_001377959.1); c.1491-2A>G (NM_001363823.2); c.1395-2A>G (NM_001363875.2).
Identifiers: ClinVar variation 569227 (VCV000569227.9), dbSNP rs1218081251, ClinGen allele CA346502811.